The following is an entry in ClinVar:

ClinVar aggregate classification (germline): Likely pathogenic (1 of 4 stars; one submission).

Conditions:
Mucopolysaccharidosis type 6 (MPS6). Also called: MPS VI; ARSB DEFICIENCY; ARYLSULFATASE B DEFICIENCY; MPS 6; Maroteaux Lamy syndrome; N-ACETYLGALACTOSAMINE-4-SULFATASE DEFICIENCY. Identifiers: Orphanet 583, MedGen C0026709, MONDO:0009661, OMIM 253200.

Submission:

Labcorp Genetics (formerly Invitae), Labcorp
Classification: Likely pathogenic for Mucopolysaccharidosis type 6. Last evaluated: 2023-10-06. Review status: criteria provided, single submitter. Criteria: Invitae Variant Classification Sherloc (09022015). Collection method: clinical testing. Allele origin: germline.
Comment: This sequence change replaces leucine, which is neutral and non-polar, with glutamine, which is neutral and polar, at codon 321 of the ARSB protein (p.Leu321Gln). This variant is not present in population databases (gnomAD no frequency). This variant has not been reported in the literature in individuals affected with ARSB-related conditions. Advanced modeling of protein sequence and biophysical properties (such as structural, functional, and spatial information, amino acid conservation, physicochemical variation, residue mobility, and thermodynamic stability) performed at Invitae indicates that this missense variant is expected to disrupt ARSB protein function. This variant disrupts the p.Leu321 amino acid residue in ARSB. Other variant(s) that disrupt this residue have been determined to be pathogenic (PMID: 8116615, 24677745). This suggests that this residue is clinically significant, and that variants that disrupt this residue are likely to be disease-causing. In summary, the currently available evidence indicates that the variant is pathogenic, but additional data are needed to prove that conclusively. Therefore, this variant has been classified as Likely Pathogenic.

Literature cited by the submitters: PubMed 8116615; PubMed 24677745.

NM_000046.5(ARSB):c.962T>A (p.Leu321Gln)

Gene: ARSB (arylsulfatase B; minus strand). Cytogenetic location: 5q14.1.
Variant type: single nucleotide variant.
Coding change: c.962T>A on transcript NM_000046.5 (MANE Select); coding-DNA position 962, T replaced by A.
Protein change: p.Leu321Gln; replaces leucine 321 with glutamine.
Molecular consequence: missense variant.
Genome position (GRCh38, 1-based): chr5:78,885,764, A>T on the plus strand (T>A on the coding strand, the complement: ARSB is on the minus strand). VCF-style: chr5-78885764-A-T. GRCh37 (hg19) VCF-style: chr5-78181587-A-T.
Other names: c.962T>A, p.Leu321Gln (NM_198709.3); short protein forms L321Q.
Identifiers: ClinVar variation 2806200 (VCV002806200.3), dbSNP rs1554079320, ClinGen allele CA360343322.